The following is an entry in ClinVar:

ClinVar aggregate classification (germline): Benign. Review status: criteria provided, multiple submitters, no conflicts (2 of 4 stars). 4 submissions from 4 submitters: Benign (3). 1 of the submissions does not count toward it. Last evaluated 2026-02-01.

Conditions:
PLXNA1-related disorder. Also called: PLXNA1-related condition.

Allele frequency attached by ClinVar (database versions not stated): 1000 Genomes Project 30x 0.14288; ExAC 0.18777; TOPMed 0.09452; gnomAD 0.10077 and 0.10458; 1000 Genomes Project 0.14816; gnomAD exomes 0.11554 and 0.10969; ESP Exome Variant Server 0.09738.
gnomAD v4.1: 173,344 of 1,586,460 alleles (11%); highest among the groups gnomAD compares: South Asian, 20%; 10,564 homozygotes.

Submissions (4):

Labcorp Genetics (formerly Invitae), Labcorp
Classification: Benign. Last evaluated: 2026-02-01. Review status: criteria provided, single submitter. Criteria: Invitae Variant Classification Sherloc (09022015). Collection method: clinical testing. Allele origin: germline.

GeneDx
Classification: Benign. Last evaluated: 2018-08-13. Review status: criteria provided, single submitter. Criteria: GeneDx Variant Classification Process June 2021. Collection method: clinical testing. Allele origin: germline. Affected: yes.

Breakthrough Genomics
Classification: Benign. Review status: criteria provided, single submitter. Criteria: ACMG Guidelines, 2015. Collection method: not provided. Allele origin: germline. Inheritance: Autosomal recessive inheritance. Affected: yes.

PreventionGenetics, part of Exact Sciences
Classification: Benign for PLXNA1-related condition. Last evaluated: 2019-10-21. Review status: no assertion criteria provided. Collection method: clinical testing. Allele origin: germline. Not counted in ClinVar's aggregate classification.
Comment: This variant is classified as benign based on ACMG/AMP sequence variant interpretation guidelines (Richards et al. 2015 PMID: 25741868, with internal and published modifications).

NM_032242.4(PLXNA1):c.1614C>T (p.His538=)

Gene: PLXNA1 (plexin A1; plus strand). Cytogenetic location: 3q21.3.
Variant type: single nucleotide variant.
Coding change: c.1614C>T on transcript NM_032242.4 (MANE Select); coding-DNA position 1614, C replaced by T.
Protein change: p.His538=; no amino-acid change (histidine 538 retained).
Molecular consequence: synonymous variant.
Genome position (GRCh38, 1-based): chr3:127,004,706, C>T. VCF-style: chr3-127004706-C-T. GRCh37 (hg19) VCF-style: chr3-126723549-C-T.
Identifiers: ClinVar variation 1226053 (VCV001226053.14), dbSNP rs28710010, ClinGen allele CA2593293.
Genomic context (GRCh38, chr3:127,004,706, plus strand): 5'-CACGTCCTGTGAGCTGTGTCTGGGGTCACGGGACCCCCACTGTGGCTGGTGTGTCCTGCA[C>T]AGCATGTGAGTCTGGGCAGGTGGGCAGGGGCAGGCGGGGAGGGCCATGGTGGTCTCACAG-3'
Protein context (NP_115618.3, residues 528-548): RDPHCGWCVL[His538=]SICSRRDACE